The following is an entry in ClinVar:

NM_001253697.2(ERBIN):c.3094A>C (p.Asn1032His)

Gene: ERBIN (erbb2 interacting protein; plus strand). Cytogenetic location: 5q12.3.
Variant type: single nucleotide variant.
Coding change: c.3094A>C on transcript NM_001253697.2 (MANE Select); coding-DNA position 3094, A replaced by C.
Protein change: p.Asn1032His; replaces asparagine 1032 with histidine.
Molecular consequence: missense variant.
Genome position (GRCh38, 1-based): chr5:66,054,412, A>C. VCF-style: chr5-66054412-A-C. GRCh37 (hg19) VCF-style: chr5-65350240-A-C.
Other names: c.3094A>C, p.Asn1032His (NM_001006600.3, NM_001253698.2, NM_001253699.2 and 1 more transcripts); c.3082A>C, p.Asn1028His (NM_001253701.2); short protein forms N1028H, N1032H.
Identifiers: ClinVar variation 3708929 (VCV003708929.2).
Genomic context (GRCh38, chr5:66,054,412, plus strand): 5'-AGATCAGAGAGCACAGAAAATCAAAGTTATGCTAAACATTCTGCCAATATGAATTTCTCT[A>C]ATCATAACAATGTTCGAGCTAATACTGCATACCATTTACATCAGAGACTTGGCCCAGCAA-3'
Protein context (NP_001240626.1, residues 1022-1042): AKHSANMNFS[Asn1032His]HNNVRANTAY

ClinVar aggregate classification (germline): Uncertain significance (1 of 4 stars; one submission).

gnomAD v4.1: 1 of 1,614,158 alleles (0.000062%); highest among the groups gnomAD compares: Admixed American, 0.0017%; no homozygotes.

Submission:

Labcorp Genetics (formerly Invitae), Labcorp
Classification: Uncertain significance. Last evaluated: 2024-05-17. Review status: criteria provided, single submitter. Criteria: Invitae Variant Classification Sherloc (09022015). Collection method: clinical testing. Allele origin: germline.
Comment: This sequence change replaces asparagine, which is neutral and polar, with histidine, which is basic and polar, at codon 1032 of the ERBIN protein (p.Asn1032His). This variant is not present in population databases (gnomAD no frequency). This variant has not been reported in the literature in individuals affected with ERBIN-related conditions. An algorithm developed to predict the effect of missense changes on protein structure and function (PolyPhen-2) suggests that this variant is likely to be disruptive. In summary, the available evidence is currently insufficient to determine the role of this variant in disease. Therefore, it has been classified as a Variant of Uncertain Significance.